The following is an entry in ClinVar:

ClinVar aggregate classification (germline): Likely benign. Review status: criteria provided, single submitter (1 of 4 stars). 2 submissions from 2 submitters: Likely benign (1). 1 of the submissions does not count toward it. Last evaluated 2026-01-27.

Conditions:
CFAP410-related disorder. Also called: CFAP410-related condition.

Allele frequency attached by ClinVar (database versions not stated): ESP Exome Variant Server 0.00008; gnomAD 0.00016 and 0.00015; ExAC 0.00017; TOPMed 0.00015; gnomAD exomes 0.00028.
gnomAD v4.1: 205 of 1,611,382 alleles (0.013%); highest among the groups gnomAD compares: Admixed American, 0.0033%; 2 homozygotes.

Submissions (2):

Labcorp Genetics (formerly Invitae), Labcorp
Classification: Likely benign. Last evaluated: 2026-01-27. Review status: criteria provided, single submitter. Criteria: Invitae Variant Classification Sherloc (09022015). Collection method: clinical testing. Allele origin: germline.

PreventionGenetics, part of Exact Sciences
Classification: Likely benign for CFAP410-related condition. Last evaluated: 2024-01-31. Review status: no assertion criteria provided. Collection method: clinical testing. Allele origin: germline. Not counted in ClinVar's aggregate classification.
Comment: This variant is classified as likely benign based on ACMG/AMP sequence variant interpretation guidelines (Richards et al. 2015 PMID: 25741868, with internal and published modifications).

NM_004928.3(CFAP410):c.528C>G (p.Asp176Glu)

Gene: CFAP410 (cilia and flagella associated protein 410; minus strand). Cytogenetic location: 21q22.3.
Variant type: single nucleotide variant.
Coding change: c.528C>G on transcript NM_004928.3 (MANE Select); coding-DNA position 528, C replaced by G.
Protein change: p.Asp176Glu; replaces aspartic acid 176 with glutamic acid.
Molecular consequence: missense variant.
Genome position (GRCh38, 1-based): chr21:44,331,860, G>C on the plus strand (C>G on the coding strand, the complement: CFAP410 is on the minus strand). VCF-style: chr21-44331860-G-C. GRCh37 (hg19) VCF-style: chr21-45751743-G-C.
Other names: c.528C>G (NM_004928.2); c.528C>G, p.Asp176Glu (NM_001271440.2, NM_001271441.2); c.405C>G, p.Asp135Glu (NM_001271442.1); short protein forms D135E, D176E.
Identifiers: ClinVar variation 1139002 (VCV001139002.11), dbSNP rs147363817, ClinGen allele CA10053643.